The following is an entry in ClinVar:

NM_006516.4(SLC2A1):c.1417A>G (p.Ser473Gly)

Gene: SLC2A1 (solute carrier family 2 member 1; minus strand). Cytogenetic location: 1p34.2.
Variant type: single nucleotide variant.
Coding change: c.1417A>G on transcript NM_006516.4 (MANE Select); coding-DNA position 1417, A replaced by G.
Protein change: p.Ser473Gly; replaces serine 473 with glycine.
Molecular consequence: missense variant.
Genome position (GRCh38, 1-based): chr1:42,927,103, T>C on the plus strand (A>G on the coding strand, the complement: SLC2A1 is on the minus strand). VCF-style: chr1-42927103-T-C. GRCh37 (hg19) VCF-style: chr1-43392774-T-C.
Other names: short protein forms S473G.
Identifiers: ClinVar variation 1973640 (VCV001973640.5), dbSNP rs1421901500, ClinGen allele CA339952726.
Genomic context (GRCh38, chr1:42,927,103, plus strand): 5'-ACACTTGGGAATCAGCCCCCAGGGGATGGAACAGCTCCTCGGGTGTCTTGTCACTTTGGC[T>C]GGCTCCCCCCTGCCGGAAGCCGGAAGCGATCTCATCGAAGGTCCGGCCTTTAGTCTCAGG-3'
Protein context (NP_006507.2, residues 463-483): IASGFRQGGA[Ser473Gly]QSDKTPEELF

ClinVar aggregate classification (germline): Uncertain significance (1 of 4 stars; one submission).

Conditions:
GLUT1 deficiency syndrome 1, autosomal recessive. Identifiers: MedGen C3149117.

Allele frequency attached by ClinVar (database versions not stated): TOPMed 0.00001; gnomAD 0.00001; gnomAD exomes below 0.00001.
gnomAD v4.1: 3 of 1,614,122 alleles (0.00019%); highest among the groups gnomAD compares: African/African-American, 0.004%; no homozygotes.

Submission:

Labcorp Genetics (formerly Invitae), Labcorp
Classification: Uncertain significance for GLUT1 deficiency syndrome 1, autosomal recessive. Last evaluated: 2025-05-15. Review status: criteria provided, single submitter. Criteria: Invitae Variant Classification Sherloc (09022015). Collection method: clinical testing. Allele origin: germline.
Comment: This sequence change replaces serine, which is neutral and polar, with glycine, which is neutral and non-polar, at codon 473 of the SLC2A1 protein (p.Ser473Gly). This variant is not present in population databases (gnomAD no frequency). This variant has not been reported in the literature in individuals affected with SLC2A1-related conditions. ClinVar contains an entry for this variant (Variation ID: 1973640). An algorithm developed to predict the effect of missense changes on protein structure and function outputs the following: PolyPhen-2: "Benign". The glycine amino acid residue is found in multiple mammalian species, which suggests that this missense change does not adversely affect protein function. In summary, the available evidence is currently insufficient to determine the role of this variant in disease. Therefore, it has been classified as a Variant of Uncertain Significance.